The following is an entry in ClinVar:

NM_024105.4(ALG12):c.889G>A (p.Gly297Ser)

Gene: ALG12 (ALG12 alpha-1,6-mannosyltransferase; minus strand). Cytogenetic location: 22q13.33.
Variant type: single nucleotide variant.
Coding change: c.889G>A on transcript NM_024105.4 (MANE Select); coding-DNA position 889, G replaced by A.
Protein change: p.Gly297Ser; replaces glycine 297 with serine.
Molecular consequence: missense variant.
Genome position (GRCh38, 1-based): chr22:49,907,824, C>T on the plus strand (G>A on the coding strand, the complement: ALG12 is on the minus strand). VCF-style: chr22-49907824-C-T. GRCh37 (hg19) VCF-style: chr22-50301472-C-T.
Other names: short protein forms G297S.
Identifiers: ClinVar variation 901172 (VCV000901172.7), dbSNP rs199937362, ClinGen allele CA10300409.

ClinVar aggregate classification (germline): Uncertain significance. Review status: criteria provided, multiple submitters, no conflicts (2 of 4 stars). 3 submissions from 3 submitters: Uncertain significance (3). Last evaluated 2026-09-09.

Conditions:
Inborn genetic diseases. Identifiers: MedGen C0950123, MeSH D030342.
ALG12-congenital disorder of glycosylation (CDG1G). Also called: ALG12-CDG; Congenital disorder of glycosylation, type Ig; CDG Ig. Identifiers: Orphanet 79324, MedGen C2931001, MONDO:0011783, OMIM 607143.

Allele frequency attached by ClinVar (database versions not stated): gnomAD exomes 0.00003 and 0.00006; ExAC 0.00004; TOPMed 0.00005; ESP Exome Variant Server 0.00008.
gnomAD v4.1: 101 of 1,613,932 alleles (0.0063%); highest among the groups gnomAD compares: Non-Finnish European, 0.0085%; no homozygotes.

Submissions (3):

Ambry Genetics
Classification: Uncertain significance for Inborn genetic diseases. Last evaluated: 2026-09-09. Review status: criteria provided, single submitter. Criteria: Ambry Variant Classification Scheme 2023. Collection method: clinical testing. Allele origin: germline.
Comment: The c.889G>A (p.G297S) alteration is located in exon 7 (coding exon 6) of the ALG12 gene. This alteration results from a G to A substitution at nucleotide position 889, causing the glycine (G) at amino acid position 297 to be replaced by a serine (S). Based on data from gnomAD, the A allele has an overall frequency of 0.003% (9/282708) total alleles studied. The highest observed frequency was 0.006% (8/129114) of European (non-Finnish) alleles. Based on insufficient or conflicting evidence, the clinical significance of this alteration remains unclear.

Labcorp Genetics (formerly Invitae), Labcorp
Classification: Uncertain significance for ALG12-congenital disorder of glycosylation. Last evaluated: 2022-03-22. Review status: criteria provided, single submitter. Criteria: Invitae Variant Classification Sherloc (09022015). Collection method: clinical testing. Allele origin: germline.
Comment: This sequence change replaces glycine, which is neutral and non-polar, with serine, which is neutral and polar, at codon 297 of the ALG12 protein (p.Gly297Ser). This variant is present in population databases (rs199937362, gnomAD 0.006%). This variant has not been reported in the literature in individuals affected with ALG12-related conditions. ClinVar contains an entry for this variant (Variation ID: 901172). Algorithms developed to predict the effect of missense changes on protein structure and function are either unavailable or do not agree on the potential impact of this missense change (SIFT: "Tolerated"; PolyPhen-2: "Possibly Damaging"; Align-GVGD: "Class C0"). In summary, the available evidence is currently insufficient to determine the role of this variant in disease. Therefore, it has been classified as a Variant of Uncertain Significance.

Illumina Laboratory Services, Illumina
Classification: Uncertain significance for ALG12-congenital disorder of glycosylation. Last evaluated: 2018-01-12. Review status: criteria provided, single submitter. Criteria: ICSL Variant Classification Criteria 13 December 2019. Collection method: clinical testing. Allele origin: germline.